The following is an entry in ClinVar:

NM_001165963.4(SCN1A):c.1347del (p.Glu449fs)

Gene: SCN1A (sodium voltage-gated channel alpha subunit 1; minus strand). Cytogenetic location: 2q24.3.
Variant type: Deletion.
Coding change: c.1347del on transcript NM_001165963.4 (MANE Select); coding-DNA position 1347, one base deleted (A; older notation c.1347delA).
Protein change: p.Glu449fs; shifts the reading frame from glutamic acid 449.
Molecular consequence: frameshift variant. On other transcripts: 5 prime UTR variant (1), non-coding transcript variant (1).
Genome position (GRCh38, 1-based): chr2:166,046,800, T deleted on the plus strand (A on the coding strand, the reverse complement: SCN1A is on the minus strand); the first of 2 consecutive T bases (chr2:166,046,800-166,046,801); deleting either gives the same sequence. VCF-style (leftmost placement, unchanged base first): chr2-166046799-GT-G. GRCh37 (hg19) VCF-style: chr2-166903309-GT-G.
Other names: c.1347del, p.Glu449fs (NM_001165964.3, NM_001202435.3, NM_001353948.2 and 10 more transcripts); c.-1079del (NM_001353961.2); short protein forms E449fs.
Identifiers: ClinVar variation 419847 (VCV000419847.2), dbSNP rs1064794147, ClinGen allele CA16617311.

ClinVar aggregate classification (germline): Pathogenic (1 of 4 stars; one submission).

Submission:

GeneDx
Classification: Pathogenic. Last evaluated: 2015-09-17. Review status: criteria provided, single submitter. Criteria: GeneDx Variant Classification (06012015). Collection method: clinical testing. Allele origin: germline. Affected: yes.
Comment: The c.1347delA deletion in the SCN1A gene causes a frameshift starting with codon Glutamic acid 449, changes this amino acid to an Aspartic acid residue and creates a premature Stop codon at position 41 of the new reading frame, denoted p.E449DfsX41. This variant is predicted to cause loss of normal protein function either through protein truncation or nonsense-mediated mRNA decay. It was not observed in approximately 6,500 individuals of European and African American ancestry in the NHLBI Exome Sequencing Project, indicating it is not a common benign variant in these populations. Although the c.1347delA deletion has not been previously reported to our knowledge, many other frameshift variants upstream and downstream of this position have been reported in the Human Gene Mutation Database in association with SCN1A-related disorders (Stenson et al., 2014). Therefore, the c.1347delA variant is interpreted as pathogenic.